The following is an entry in ClinVar:

NM_000252.3(MTM1):c.1053+2C>T

Gene: MTM1 (myotubularin 1; plus strand). Cytogenetic location: Xq28.
Variant type: single nucleotide variant.
Coding change: c.1053+2C>T on transcript NM_000252.3 (MANE Select); the canonical splice donor site of the intron after coding-DNA position 1053, C replaced by T.
Molecular consequence: splice donor variant.
Genome position (GRCh38, 1-based): chrX:150,649,903, C>T. VCF-style: chrX-150649903-C-T. GRCh37 (hg19) VCF-style: chrX-149818376-C-T.
Other names: c.1053+2C>T (NM_001376908.1, NM_001376906.1); c.942+2C>T (NM_001376907.1).
Identifiers: ClinVar variation 4817984 (VCV004817984.1).
Genomic context (GRCh38, chrX:150,649,903, plus strand): 5'-TAGAAGAATCTCATTGGTTGTCCAGTTTGGAGTCTACTCATTGGTTAGAACATATCAAGG[C>T]AAGTATATTTTGTGAAAATATTTGTGTATATAAAAAAGAATGTAATTGTTTAGTGGAATG-3'

ClinVar aggregate classification (germline): Likely pathogenic (1 of 4 stars; one submission).

Conditions:
Severe X-linked myotubular myopathy (CNMX). Also called: MYOTUBULAR MYOPATHY 1; X-linked centronuclear myopathy; Myotubular myopathy, X-linked. Identifiers: Orphanet 596, MedGen C0410203, MONDO:0010683, OMIM 310400.

Submission:

Natera, Inc.
Classification: Likely pathogenic for Severe X-linked myotubular myopathy. Last evaluated: 2024-09-03. Review status: criteria provided, single submitter. Criteria: Natera Variant Classification Schema (03/2026). Collection method: clinical testing. Allele origin: germline.
Comment: The c.1053+2C>T variant in MTM1 is a canonical splice donor site variant predicted to affect pre-mRNA splicing, which may result in an abnormal transcript and altered protein product. This variant is expected to result in nonsense mediated decay, truncation, or a dysfunctional protein product. This variant is rare in the general population with a frequency below the threshold expected for the associated phenotype(s). Given the available evidence, this variant is classified as Likely Pathogenic.